The following is an entry in ClinVar:

NM_000044.6(AR):c.2037A>C (p.Glu679Asp)

Gene: AR (androgen receptor; plus strand). Cytogenetic location: Xq12.
Variant type: single nucleotide variant.
Coding change: c.2037A>C on transcript NM_000044.6 (MANE Select); coding-DNA position 2037, A replaced by C.
Protein change: p.Glu679Asp; replaces glutamic acid 679 with aspartic acid.
Molecular consequence: missense variant.
Genome position (GRCh38, 1-based): chrX:67,711,553, A>C. VCF-style: chrX-67711553-A-C. GRCh37 (hg19) VCF-style: chrX-66931395-A-C.
Other names: c.441A>C, p.Glu147Asp (NM_001011645.3); short protein forms E147D, E679D.
Identifiers: ClinVar variation 852552 (VCV000852552.9), dbSNP rs2076093959, ClinGen allele CA413423275.

ClinVar aggregate classification (germline): Uncertain significance (1 of 4 stars; one submission).

Conditions:
Androgen resistance syndrome (AIS). Also called: TESTICULAR FEMINIZATION SYNDROME; Androgen insensitivity, complete; Androgen insensitivity syndrome; Androgen insensitivity syndrome due to coactivator deficiency; DHTR DEFICIENCY; ANDROGEN RECEPTOR DEFICIENCY. Identifiers: Orphanet 754, Orphanet 99429, MedGen C0039585, MONDO:0019154, OMIM 300068. Disease mechanism: loss of function.
Kennedy disease (SMAX1). Also called: KENNEDY SPINAL AND BULBAR MUSCULAR ATROPHY; Spinal and Bulbar Muscular Atrophy; SPINAL AND BULBAR MUSCULAR ATROPHY, X-LINKED 1. Identifiers: Orphanet 481, MedGen C1839259, MONDO:0010735, OMIM 313200.

Submission:

Labcorp Genetics (formerly Invitae), Labcorp
Classification: Uncertain significance for Kennedy disease; Androgen resistance syndrome. Last evaluated: 2019-04-15. Review status: criteria provided, single submitter. Criteria: Invitae Variant Classification Sherloc (09022015). Collection method: clinical testing. Allele origin: germline.
Comment: This sequence change replaces glutamic acid with aspartic acid at codon 679 of the AR protein (p.Glu679Asp). The glutamic acid residue is highly conserved and there is a small physicochemical difference between glutamic acid and aspartic acid. This variant is not present in population databases (ExAC no frequency). This variant has not been reported in the literature in individuals with AR-related conditions. Algorithms developed to predict the effect of missense changes on protein structure and function are either unavailable or do not agree on the potential impact of this missense change (SIFT: "Tolerated"; PolyPhen-2: "Probably Damaging"; Align-GVGD: "Class C0"). In summary, the available evidence is currently insufficient to determine the role of this variant in disease. Therefore, it has been classified as a Variant of Uncertain Significance.